The following is an entry in ClinVar:

NM_001330700.2(TOP2B):c.4310A>C (p.His1437Pro)

Gene: TOP2B (DNA topoisomerase II beta; minus strand). Cytogenetic location: 3p24.2.
Variant type: single nucleotide variant.
Coding change: c.4310A>C on transcript NM_001330700.2 (MANE Select); coding-DNA position 4310, A replaced by C.
Protein change: p.His1437Pro; replaces histidine 1437 with proline.
Molecular consequence: missense variant.
Genome position (GRCh38, 1-based): chr3:25,606,111, T>G on the plus strand (A>C on the coding strand, the complement: TOP2B is on the minus strand). VCF-style: chr3-25606111-T-G. GRCh37 (hg19) VCF-style: chr3-25647602-T-G.
Other names: c.4295A>C, p.His1432Pro (NM_001068.3); short protein forms H1437P, H1432P.
Identifiers: ClinVar variation 4767508 (VCV004767508.1).

ClinVar aggregate classification (germline): Uncertain significance (1 of 4 stars; one submission).

Submission:

Labcorp Genetics (formerly Invitae), Labcorp
Classification: Uncertain significance. Last evaluated: 2025-11-11. Review status: criteria provided, single submitter. Criteria: Invitae Variant Classification Sherloc (09022015). Collection method: clinical testing. Allele origin: germline.
Comment: This sequence change replaces histidine, which is basic and polar, with proline, which is neutral and non-polar, at codon 1432 of the TOP2B protein (p.His1432Pro). This variant is not present in population databases (gnomAD no frequency). This variant has not been reported in the literature in individuals affected with TOP2B-related conditions. An algorithm developed to predict the effect of missense changes on protein structure and function (PolyPhen-2) suggests that this variant is likely to be tolerated. In summary, the available evidence is currently insufficient to determine the role of this variant in disease. Therefore, it has been classified as a Variant of Uncertain Significance.